The following is an entry in ClinVar:

NM_001163278.2(TENM1):c.4812G>A (p.Pro1604=)

Gene: TENM1 (teneurin transmembrane protein 1; minus strand). Cytogenetic location: Xq25.
Variant type: single nucleotide variant.
Coding change: c.4812G>A on transcript NM_001163278.2 (MANE Select); coding-DNA position 4812, G replaced by A.
Protein change: p.Pro1604=; no amino-acid change (proline 1604 retained).
Molecular consequence: synonymous variant.
Genome position (GRCh38, 1-based): chrX:124,420,481, C>T on the plus strand (G>A on the coding strand, the complement: TENM1 is on the minus strand). VCF-style: chrX-124420481-C-T. GRCh37 (hg19) VCF-style: chrX-123554331-C-T.
Other names: c.4809G>A, p.Pro1603= (NM_001163279.1); c.4791G>A, p.Pro1597= (NM_014253.3).
Identifiers: ClinVar variation 724162 (VCV000724162.7), dbSNP rs139935272, ClinGen allele CA10509717.

ClinVar aggregate classification (germline): Benign. Review status: criteria provided, single submitter (1 of 4 stars). 2 submissions from 2 submitters: Benign (1). 1 of the submissions does not count toward it. Last evaluated 2019-12-31.

Conditions:
TENM1-related disorder. Also called: TENM1-related condition.

Allele frequency attached by ClinVar (database versions not stated): ExAC 0.00125; gnomAD 0.00294; TOPMed 0.00347; gnomAD exomes 0.00035 and 0.00104; 1000 Genomes Project 0.00291; 1000 Genomes Project 30x 0.00312; ESP Exome Variant Server 0.00473.
gnomAD v4.1: 778 of 1,210,936 alleles (0.064%); highest among the groups gnomAD compares: African/African-American, 1.2%; 3 homozygotes.

Submissions (2):

Labcorp Genetics (formerly Invitae), Labcorp
Classification: Benign. Last evaluated: 2019-12-31. Review status: criteria provided, single submitter. Criteria: Invitae Variant Classification Sherloc (09022015). Collection method: clinical testing. Allele origin: germline.

PreventionGenetics, part of Exact Sciences
Classification: Benign for TENM1-related condition. Last evaluated: 2019-07-12. Review status: no assertion criteria provided. Collection method: clinical testing. Allele origin: germline. Not counted in ClinVar's aggregate classification.
Comment: This variant is classified as benign based on ACMG/AMP sequence variant interpretation guidelines (Richards et al. 2015 PMID: 25741868, with internal and published modifications).